The following is an entry in ClinVar:

ClinVar aggregate classification (germline): Uncertain significance. Review status: criteria provided, multiple submitters, no conflicts (2 of 4 stars). 7 submissions from 3 submitters: Uncertain significance (7). Last evaluated 2023-04-11.

Conditions:
Retinitis pigmentosa (RP). Identifiers: Orphanet 791, MedGen C0035334, MeSH D012174, MONDO:0019200, OMIM 268000. Inheritance: Autosomal dominant, autosomal recessive and X linked inheritance.
Pigmented paravenous retinochoroidal atrophy. Identifiers: Orphanet 251295, MedGen C1868310, MONDO:0008246, OMIM 172870.
Leber congenital amaurosis 8 (LCA8). Identifiers: Orphanet 65, MedGen C3151202, MONDO:0013453, OMIM 613835.
Retinitis pigmentosa 12 (RP12). Also called: RP WITH OR WITHOUT PRESERVED PARAARTERIOLE RETINAL PIGMENT EPITHELIUM; RP WITH OR WITHOUT PPRPE; RETINITIS PIGMENTOSA WITH OR WITHOUT PARAARTERIOLAR PRESERVATION OF RETINAL PIGMENT EPITHELIUM. Identifiers: Orphanet 791, MedGen C1838647, MONDO:0010818, OMIM 600105.

Allele frequency attached by ClinVar (database versions not stated): gnomAD exomes below 0.00001.
gnomAD v4.1: 4 of 1,612,396 alleles (0.00025%); highest among the groups gnomAD compares: East Asian, 0.0067%; no homozygotes.

Submissions (7):

Genome-Nilou Lab
Classification: Uncertain significance for Leber congenital amaurosis 8. Last evaluated: 2023-04-11. Review status: criteria provided, single submitter. Criteria: ACMG Guidelines, 2015. Collection method: clinical testing. Allele origin: germline. Affected: no.

Genome-Nilou Lab
Classification: Uncertain significance for Pigmented paravenous retinochoroidal atrophy. Last evaluated: 2023-04-11. Review status: criteria provided, single submitter. Criteria: ACMG Guidelines, 2015. Collection method: clinical testing. Allele origin: germline. Affected: no.

Genome-Nilou Lab
Classification: Uncertain significance for Retinitis pigmentosa 12. Last evaluated: 2023-04-11. Review status: criteria provided, single submitter. Criteria: ACMG Guidelines, 2015. Collection method: clinical testing. Allele origin: germline. Affected: no.

Labcorp Genetics (formerly Invitae), Labcorp
Classification: Uncertain significance for Leber congenital amaurosis 8; Retinitis pigmentosa 12. Last evaluated: 2021-09-24. Review status: criteria provided, single submitter. Criteria: Invitae Variant Classification Sherloc (09022015). Collection method: clinical testing. Allele origin: germline.
Comment: This sequence change replaces isoleucine with asparagine at codon 124 of the CRB1 protein (p.Ile124Asn). The isoleucine residue is moderately conserved and there is a large physicochemical difference between isoleucine and asparagine. This variant is not present in population databases (ExAC no frequency). This variant has not been reported in the literature in individuals with CRB1-related conditions. ClinVar contains an entry for this variant (Variation ID: 294667). Algorithms developed to predict the effect of missense changes on protein structure and function are either unavailable or do not agree on the potential impact of this missense change (SIFT: "Deleterious"; PolyPhen-2: "Benign"; Align-GVGD: "Class C0"). Algorithms developed to predict the effect of sequence changes on RNA splicing suggest that this variant may create or strengthen a splice site, but this prediction has not been confirmed by published transcriptional studies. In summary, the available evidence is currently insufficient to determine the role of this variant in disease. Therefore, it has been classified as a Variant of Uncertain Significance.

Illumina Laboratory Services, Illumina
Classification: Uncertain significance for Pigmented paravenous retinochoroidal atrophy. Last evaluated: 2018-01-13. Review status: criteria provided, single submitter. Criteria: ICSL Variant Classification Criteria 13 December 2019. Collection method: clinical testing. Allele origin: germline.

Illumina Laboratory Services, Illumina
Classification: Uncertain significance for Retinitis pigmentosa. Last evaluated: 2018-01-13. Review status: criteria provided, single submitter. Criteria: ICSL Variant Classification Criteria 13 December 2019. Collection method: clinical testing. Allele origin: germline.

Illumina Laboratory Services, Illumina
Classification: Uncertain significance for Leber congenital amaurosis 8. Last evaluated: 2018-01-13. Review status: criteria provided, single submitter. Criteria: ICSL Variant Classification Criteria 13 December 2019. Collection method: clinical testing. Allele origin: germline.

NM_201253.3(CRB1):c.371T>A (p.Ile124Asn)

Gene: CRB1 (crumbs cell polarity complex component 1; plus strand). Cytogenetic location: 1q31.3.
Variant type: single nucleotide variant.
Coding change: c.371T>A on transcript NM_201253.3 (MANE Select); coding-DNA position 371, T replaced by A.
Protein change: p.Ile124Asn; replaces isoleucine 124 with asparagine.
Molecular consequence: missense variant. On other transcripts: non-coding transcript variant (2).
Genome position (GRCh38, 1-based): chr1:197,328,722, T>A. VCF-style: chr1-197328722-T-A. GRCh37 (hg19) VCF-style: chr1-197297852-T-A.
Other names: c.371T>A, p.Ile124Asn (NM_001193640.2, NM_001257966.2); c.164T>A, p.Ile55Asn (NM_001257965.2); short protein forms I124N, I55N.
Identifiers: ClinVar variation 294667 (VCV000294667.7), dbSNP rs886045783, ClinGen allele CA10609323.
Genomic context (GRCh38, chr1:197,328,722, plus strand): 5'-GGACAATCTGTGAAACTACCATTGGTTCCTGTGGCAAGAACTCCTGCCAACATGGAGGTA[T>A]TTGCCATCAGGACCCTATTTATCCTGTCTGCATCTGCCCTGCTGGATATGCTGGAAGATT-3'
Protein context (NP_957705.1, residues 114-134): CGKNSCQHGG[Ile124Asn]CHQDPIYPVC